The following is an entry in ClinVar:

NM_000448.3(RAG1):c.1331C>T (p.Ala444Val)

Gene: RAG1 (recombination activating 1; plus strand). Cytogenetic location: 11p12.
Variant type: single nucleotide variant.
Coding change: c.1331C>T on transcript NM_000448.3 (MANE Select); coding-DNA position 1331, C replaced by T.
Protein change: p.Ala444Val; replaces alanine 444 with valine.
Molecular consequence: missense variant.
Genome position (GRCh38, 1-based): chr11:36,574,635, C>T. VCF-style: chr11-36574635-C-T. GRCh37 (hg19) VCF-style: chr11-36596185-C-T.
Other names: NM_000448.3(RAG1):c.1331C>T; c.1331C>T, p.Ala444Val (NM_001377277.1, NM_001377278.1, NM_001377279.1 and 1 more transcripts); short protein forms A444V.
Identifiers: ClinVar variation 68681 (VCV000068681.51), dbSNP rs199474685, ClinGen allele CA219800.

ClinVar aggregate classification (germline): Pathogenic. Review status: reviewed by expert panel (3 of 4 stars). 8 submissions from 8 submitters: Pathogenic (1). 7 of the submissions do not count toward it. Last evaluated 2023-11-14.

Conditions:
Recombinase activating gene 1 deficiency. Identifiers: MedGen CN375631, MONDO:0000572.
Severe combined immunodeficiency, autosomal recessive, T cell-negative, B cell-negative, NK cell-positive. Also called: SCID, T CELL-NEGATIVE, B CELL-NEGATIVE, NK CELL-POSITIVE; Severe combined immunodeficiency due to complete RAG1/2 deficiency; SCID, AR, T-cell negative, B-cell negative, NK cell-positive. Identifiers: Orphanet 331206, MedGen C1832322, MONDO:0011086, OMIM 601457.
Combined immunodeficiency with skin granulomas. Identifiers: Orphanet 157949, MedGen C2673536, MONDO:0009306, OMIM 233650.
Severe combined immunodeficiency disease. Also called: Severe combined immunodeficiency; Severe Combined Immune Deficiency. Identifiers: Orphanet 183660, MedGen C0085110, MeSH D016511, MONDO:0015974, HP:0004430. Inheritance: X-Linked or Autosomal recessive.
Combined immunodeficiency due to partial RAG1 deficiency. Identifiers: Orphanet 231154, MedGen C1835931, MONDO:0012359, OMIM 609889.

Allele frequency attached by ClinVar (database versions not stated): ExAC 0.00001; gnomAD 0.00001; gnomAD exomes 0.00001; TOPMed 0.00001.
gnomAD v4.1: 15 of 1,614,018 alleles (0.00093%); highest among the groups gnomAD compares: South Asian, 0.0055%; no homozygotes.

Submissions (8):

ClinGen Severe Combined Immunodeficiency Variant Curation Expert Panel, ClinGen
Classification: Pathogenic for Recombinase activating gene 1 deficiency. Last evaluated: 2023-11-14. Review status: reviewed by expert panel. Criteria: ClinGen SCID ACMG Specifications RAG1 V1.0.0. Collection method: curation. Allele origin: germline. Inheritance: Autosomal recessive inheritance.
Comment: The NM_000448.3(RAG1):c.1331C>T (p.Ala444Val) missense variant occurs in the NBD domain (amino acids 394-460), which is defined as a critical functional domain by the ClinGen SCID VCEP (PMID: 26996199; PM1). The popmax allele frequency is 0.00003266 (1/30614 alleles) in the South Asisan population, which is below the SCID VCEP established threshold of <0.000102 (PM2_supporting). At least 11 patients have been reported with this variant (PMIDs: 26596586, 24290284, 23085344, 17572155, 11133745, 36596882, 29410113), including patient 11 of PMID: 26596586 whom meets diagnostic criteria for SCID with a T-B-NK+ lymphocyte subset profile which is specific to recombinase activating gene 1 deficiency (PP4). Six patients are homozygous for this variant (PMIDs: 24290284, 17572155,11133745; 1pt maximum) and five are compound heterozygous (PMIDs: 26596586, 23085344, 11133745, 36596882, 29410113), harboring this variant as well as c.256_257 (provisionally classified Pathogenic by the SCID VCEP; 1+0.5pt), Val433Met, Lys992Glu, or c.2018_2025del. Total 2.5pt (PM3_Strong). Functional studies have shown a deleterious effect of this variant, significantly reducing function of the V(D)J recombination activity; mean recombination activity for Ala444Val was 1.4% of wild type +/- 0.2 (PMID: 24290284; PS3_moderate). In summary, this variant meets the criteria to be classified as pathogenic for recombinase activating gene 1 deficiency based on the ACMG/AMP criteria applied, as specified by the ClinGen SCID VCEP. Criteria applied: PM1, PM2_supporting, PP4, PM3_Strong, PS3_Moderate. (VCEP specifications version 1).

Labcorp Genetics (formerly Invitae), Labcorp
Classification: Pathogenic for Combined immunodeficiency with skin granulomas; Severe combined immunodeficiency, autosomal recessive, T cell-negative, B cell-negative, NK cell-positive. Last evaluated: 2026-01-21. Review status: criteria provided, single submitter. Criteria: Invitae Variant Classification Sherloc (09022015). Collection method: clinical testing. Allele origin: germline. Not counted in ClinVar's aggregate classification.
Comment: This sequence change replaces alanine, which is neutral and non-polar, with valine, which is neutral and non-polar, at codon 444 of the RAG1 protein (p.Ala444Val). This variant is present in population databases (rs199474685, gnomAD 0.003%). This missense change has been observed in individuals with primary immunodeficiency (PMID: 11133745, 23085344, 24290284, 26596586; internal data). It has also been observed to segregate with disease in related individuals. ClinVar contains an entry for this variant (Variation ID: 68681). Invitae Evidence Modeling of protein sequence and biophysical properties (such as structural, functional, and spatial information, amino acid conservation, physicochemical variation, residue mobility, and thermodynamic stability) has been performed for this missense variant. However, the output from this modeling did not meet the statistical confidence thresholds required to predict the impact of this variant on RAG1 protein function. For these reasons, this variant has been classified as Pathogenic.

CeGaT Center for Human Genetics Tuebingen
Classification: Pathogenic. Last evaluated: 2025-12-01. Review status: criteria provided, single submitter. Criteria: CeGaT Center For Human Genetics Tuebingen Variant Classification Criteria Version 2. Collection method: clinical testing. Allele origin: germline. Affected: yes. Observed: 4 variant alleles. Not counted in ClinVar's aggregate classification.
Comment: RAG1: PM3:Very Strong, PM2, PS3:Supporting

Genomic Medicine Center of Excellence, King Faisal Specialist Hospital and Research Centre
Classification: Pathogenic for Severe combined immunodeficiency, autosomal recessive, T cell-negative, B cell-negative, NK cell-positive. Last evaluated: 2025-09-10. Review status: criteria provided, single submitter. Criteria: ACMG Guidelines, 2015. Collection method: clinical testing. Allele origin: germline. Not counted in ClinVar's aggregate classification.

Baylor Genetics
Classification: Pathogenic for Combined immunodeficiency due to partial RAG1 deficiency. Last evaluated: 2024-02-13. Review status: criteria provided, single submitter. Criteria: ACMG Guidelines, 2015. Collection method: clinical testing. Allele origin: unknown. Not counted in ClinVar's aggregate classification.

Women's Health and Genetics/Laboratory Corporation of America, LabCorp
Classification: Pathogenic for Severe combined immunodeficiency disease. Last evaluated: 2022-07-20. Review status: criteria provided, single submitter. Criteria: LabCorp Variant Classification Summary - May 2015. Collection method: clinical testing. Allele origin: germline. Not counted in ClinVar's aggregate classification.
Comment: Variant summary: RAG1 c.1331C>T (p.Ala444Val) results in a non-conservative amino acid change located in the RAG nonamer-binding domain (IPR023336) of the encoded protein sequence. Five of five in-silico tools predict a damaging effect of the variant on protein function. The variant allele was found at a frequency of 1.2e-05 in 250826 control chromosomes. c.1331C>T has been reported in the literature in multiple individuals affected with Severe Combined Immunodeficiency/Atypical SCID/Omenn syndrome (example, Villa_2001, Haq_2007, Sharapova_2012, Firtina_2020). These data indicate that the variant is very likely to be associated with disease. At least one publication reports experimental evidence evaluating an impact on protein function (example, Lee_2014). The most pronounced variant effect results in 1.4% of normal VDJ recombination activity. Three clinical diagnostic laboratories have submitted clinical-significance assessments for this variant to ClinVar after 2014 without evidence for independent evaluation. All laboratories classified the variant as pathogenic. Based on the evidence outlined above, the variant was classified as pathogenic.

Clinic of Clinical Immunology with Stem Cell Bank, Expert Centre for Rare Diseases - PID, University Hospital "Alexandrovska"
Classification: Pathogenic for Severe combined immunodeficiency, autosomal recessive, T cell-negative, B cell-negative, NK cell-positive. Last evaluated: 2022-05-01. Review status: no assertion criteria provided. Collection method: clinical testing. Allele origin: germline. Affected: yes. Not counted in ClinVar's aggregate classification.

UniProtKB/Swiss-Prot
No classification provided. Review status: no classification provided. Collection method: not provided. Allele origin: not provided. Not counted in ClinVar's aggregate classification.

Literature cited by the submitters: PubMed 11133745 (cited by Labcorp Genetics (formerly Invitae), Labcorp and Women's Health and Genetics/Laboratory Corporation of America, LabCorp); PubMed 23085344 (cited by Labcorp Genetics (formerly Invitae), Labcorp and Women's Health and Genetics/Laboratory Corporation of America, LabCorp); PubMed 24290284 (cited by Labcorp Genetics (formerly Invitae), Labcorp and Women's Health and Genetics/Laboratory Corporation of America, LabCorp); PubMed 26596586 (cited by Labcorp Genetics (formerly Invitae), Labcorp); PubMed 17572155 (cited by Women's Health and Genetics/Laboratory Corporation of America, LabCorp); PubMed 32445296 (cited by Women's Health and Genetics/Laboratory Corporation of America, LabCorp).